The following is an entry in ClinVar:

NM_001029883.3(PCARE):c.2309A>G (p.Lys770Arg)

Gene: PCARE (photoreceptor cilium actin regulator; minus strand). Cytogenetic location: 2p23.2.
Variant type: single nucleotide variant.
Coding change: c.2309A>G on transcript NM_001029883.3 (MANE Select); coding-DNA position 2309, A replaced by G.
Protein change: p.Lys770Arg; replaces lysine 770 with arginine.
Molecular consequence: missense variant.
Genome position (GRCh38, 1-based): chr2:29,071,953, T>C on the plus strand (A>G on the coding strand, the complement: PCARE is on the minus strand). VCF-style: chr2-29071953-T-C. GRCh37 (hg19) VCF-style: chr2-29294819-T-C.
Other names: c.2309A>G (NM_001029883.2); short protein forms K770R.
Identifiers: ClinVar variation 1478029 (VCV001478029.9), dbSNP rs200759534, ClinGen allele CA1592234.

ClinVar aggregate classification (germline): Uncertain significance. Review status: criteria provided, multiple submitters, no conflicts (2 of 4 stars). 3 submissions from 3 submitters: Uncertain significance (3). Last evaluated 2025-10-27.

Conditions:
PCARE-related disorder. Also called: PCARE-related condition.

Allele frequency attached by ClinVar (database versions not stated): TOPMed 0.00001; ExAC 0.00011; gnomAD 0.00011; gnomAD exomes 0.00011.
gnomAD v4.1: 125 of 1,614,134 alleles (0.0077%); highest among the groups gnomAD compares: Admixed American, 0.0067%; no homozygotes.

Submissions (3):

PreventionGenetics, part of Exact Sciences
Classification: Uncertain significance for PCARE-related condition. Last evaluated: 2025-10-27. Review status: criteria provided, single submitter. Criteria: ACMG Guidelines, 2015. Collection method: clinical testing. Allele origin: germline.
Comment: The PCARE c.2309A>G variant is predicted to result in the amino acid substitution p.Lys770Arg. To our knowledge, this variant has not been reported in the literature. This variant is reported in 0.076% of alleles in individuals of European (Finnish) descent in gnomAD, which may be too frequent to be a primary cause of disease. Although we suspect that this variant may be benign, at this time, the clinical significance of this variant is uncertain due to the absence of conclusive functional and genetic evidence.

Blueprint Genetics
Classification: Uncertain significance. Last evaluated: 2024-02-07. Review status: criteria provided, single submitter. Criteria: ACMG Guidelines, 2015. Collection method: clinical testing. Allele origin: germline.

Labcorp Genetics (formerly Invitae), Labcorp
Classification: Uncertain significance. Last evaluated: 2023-08-17. Review status: criteria provided, single submitter. Criteria: Invitae Variant Classification Sherloc (09022015). Collection method: clinical testing. Allele origin: germline.
Comment: ClinVar contains an entry for this variant (Variation ID: 1478029). In summary, the available evidence is currently insufficient to determine the role of this variant in disease. Therefore, it has been classified as a Variant of Uncertain Significance. Algorithms developed to predict the effect of sequence changes on RNA splicing suggest that this variant may create or strengthen a splice site. An algorithm developed to predict the effect of missense changes on protein structure and function (PolyPhen-2) suggests that this variant¬†is likely to be tolerated. This variant has not been reported in the literature in individuals affected with PCARE-related conditions. This variant is present in population databases (rs200759534, gnomAD 0.09%). This sequence change replaces lysine, which is basic and polar, with arginine, which is basic and polar, at codon 770 of the PCARE protein (p.Lys770Arg).